The following is an entry in ClinVar:

ClinVar aggregate classification (germline): Likely benign (0 of 4 stars; one submission).

Conditions:
CEP290-related disorder. Also called: CEP290-related condition; CEP290-related disorders. Identifiers: MedGen CN239314.

Submission:

PreventionGenetics, part of Exact Sciences
Classification: Likely benign for CEP290-related condition. Last evaluated: 2023-08-28. Review status: no assertion criteria provided. Collection method: clinical testing. Allele origin: germline.
Comment: This variant is classified as likely benign based on ACMG/AMP sequence variant interpretation guidelines (Richards et al. 2015 PMID: 25741868, with internal and published modifications).

NM_025114.4(CEP290):c.2811A>G (p.Arg937=)

Gene: CEP290 (centrosomal protein 290; minus strand). Cytogenetic location: 12q21.32.
Variant type: single nucleotide variant.
Coding change: c.2811A>G on transcript NM_025114.4 (MANE Select); coding-DNA position 2811, A replaced by G.
Protein change: p.Arg937=; no amino-acid change (arginine 937 retained).
Molecular consequence: synonymous variant.
Genome position (GRCh38, 1-based): chr12:88,106,681, T>C on the plus strand (A>G on the coding strand, the complement: CEP290 is on the minus strand). VCF-style: chr12-88106681-T-C. GRCh37 (hg19) VCF-style: chr12-88500458-T-C.
Identifiers: ClinVar variation 3349859 (VCV003349859.1).